The following is an entry in ClinVar:

ClinVar aggregate classification (germline): Uncertain significance (1 of 4 stars; one submission).

Conditions:
Early-infantile DEE. Also called: Early infantile epileptic encephalopathy; Early infantile epileptic encephalopathy with suppression bursts; Ohtahara syndrome. Identifiers: Orphanet 1934, MedGen C0393706, MONDO:0800491.

Allele frequency attached by ClinVar (database versions not stated): TOPMed below 0.00001; gnomAD 0.00001.
gnomAD v4.1: 1 of 1,613,742 alleles (0.000062%); highest among the groups gnomAD compares: Non-Finnish European, 0.000085%; no homozygotes.

Submission:

Labcorp Genetics (formerly Invitae), Labcorp
Classification: Uncertain significance for Early-infantile DEE. Last evaluated: 2020-11-16. Review status: criteria provided, single submitter. Criteria: Invitae Variant Classification Sherloc (09022015). Collection method: clinical testing. Allele origin: germline.
Comment: This sequence change replaces tyrosine with histidine at codon 399 of the SCN1A protein (p.Tyr399His). The tyrosine residue is highly conserved and there is a moderate physicochemical difference between tyrosine and histidine. In summary, the available evidence is currently insufficient to determine the role of this variant in disease. Therefore, it has been classified as a Variant of Uncertain Significance. Advanced modeling of protein sequence and biophysical properties (such as structural, functional, and spatial information, amino acid conservation, physicochemical variation, residue mobility, and thermodynamic stability) performed at Invitae indicates that this missense variant is expected to disrupt SCN1A protein function. This variant has not been reported in the literature in individuals with SCN1A-related conditions. This variant is not present in population databases (ExAC no frequency).

NM_001165963.4(SCN1A):c.1195T>C (p.Tyr399His)

Gene: SCN1A (sodium voltage-gated channel alpha subunit 1; minus strand). Cytogenetic location: 2q24.3.
Variant type: single nucleotide variant.
Coding change: c.1195T>C on transcript NM_001165963.4 (MANE Select); coding-DNA position 1195, T replaced by C.
Protein change: p.Tyr399His; replaces tyrosine 399 with histidine.
Molecular consequence: missense variant. On other transcripts: 5 prime UTR variant (1), non-coding transcript variant (1).
Genome position (GRCh38, 1-based): chr2:166,046,952, A>G on the plus strand (T>C on the coding strand, the complement: SCN1A is on the minus strand). VCF-style: chr2-166046952-A-G. GRCh37 (hg19) VCF-style: chr2-166903462-A-G.
Other names: c.1195T>C, p.Tyr399His (NM_001165964.3, NM_001202435.3, NM_001353948.2 and 10 more transcripts); c.-1231T>C (NM_001353961.2); short protein forms Y399H.
Identifiers: ClinVar variation 1349279 (VCV001349279.9), dbSNP rs796052974, ClinGen allele CA349071007.